The following is an entry in ClinVar:

NM_001128929.3(ROBO2):c.51G>A (p.Pro17=)

Gene: ROBO2 (roundabout guidance receptor 2; plus strand). Cytogenetic location: 3p12.3.
Variant type: single nucleotide variant.
Coding change: c.51G>A on transcript NM_001128929.3; coding-DNA position 51, G replaced by A.
Protein change: p.Pro17=; no amino-acid change (proline 17 retained).
Molecular consequence: synonymous variant.
Genome position (GRCh38, 1-based): chr3:75,937,544, G>A. VCF-style: chr3-75937544-G-A. GRCh37 (hg19) VCF-style: chr3-75986695-G-A.
Other names: c.51G>A, p.Pro17= (NM_001378190.1, NM_001378191.1, NM_001378195.1 and 4 more transcripts).
Identifiers: ClinVar variation 3059993 (VCV003059993.2), dbSNP rs79015247, ClinGen allele CA77722765.

ClinVar aggregate classification (germline): Benign (0 of 4 stars; one submission).

Conditions:
ROBO2-related disorder. Also called: ROBO2-related condition.

Allele frequency attached by ClinVar (database versions not stated): ExAC 0.39009.
gnomAD v4.1: 7 of 1,577,382 alleles (0.00044%); highest among the groups gnomAD compares: South Asian, 0.0011%; no homozygotes.

Submission:

PreventionGenetics, part of Exact Sciences
Classification: Benign for ROBO2-related condition. Last evaluated: 2020-11-18. Review status: no assertion criteria provided. Collection method: clinical testing. Allele origin: germline.
Comment: This variant is classified as benign based on ACMG/AMP sequence variant interpretation guidelines (Richards et al. 2015 PMID: 25741868, with internal and published modifications).